The following is an entry in ClinVar:

ClinVar aggregate classification (germline): Uncertain significance. Review status: criteria provided, multiple submitters, no conflicts (2 of 4 stars). 2 submissions from 2 submitters: Uncertain significance (2). Last evaluated 2023-06-09.

Submissions (2):

Labcorp Genetics (formerly Invitae), Labcorp
Classification: Uncertain significance. Last evaluated: 2023-06-09. Review status: criteria provided, single submitter. Criteria: Invitae Variant Classification Sherloc (09022015). Collection method: clinical testing. Allele origin: germline.
Comment: In summary, the available evidence is currently insufficient to determine the role of this variant in disease. Therefore, it has been classified as a Variant of Uncertain Significance. An algorithm developed to predict the effect of missense changes on protein structure and function (PolyPhen-2) suggests that this variant is likely to be disruptive. This missense change has been observed in individual(s) with pseudohypoparathyroidism type 1a (PMID: 21823526). This variant is not present in population databases (gnomAD no frequency). This sequence change replaces aspartic acid, which is acidic and polar, with asparagine, which is neutral and polar, at codon 196 of the GNAS protein (p.Asp196Asn).

GeneDx
Classification: Uncertain significance. Last evaluated: 2023-03-27. Review status: criteria provided, single submitter. Criteria: GeneDx Variant Classification Process June 2021. Collection method: clinical testing. Allele origin: germline. Affected: yes.
Comment: Not observed at significant frequency in large population cohorts (gnomAD); In silico analysis supports that this missense variant has a deleterious effect on protein structure/function; This variant is associated with the following publications: (PMID: 21823526)

Literature cited by the submitters: PubMed 21823526 (cited by Labcorp Genetics (formerly Invitae), Labcorp).

NM_000516.7(GNAS):c.586G>A (p.Asp196Asn)

Gene: GNAS (GNAS complex locus; plus strand). Cytogenetic location: 20q13.32.
Variant type: single nucleotide variant.
Coding change: c.586G>A on transcript NM_000516.7 (MANE Select); coding-DNA position 586, G replaced by A.
Protein change: p.Asp196Asn; replaces aspartic acid 196 with asparagine.
Molecular consequence: missense variant. On other transcripts: 3 prime UTR variant (2).
Genome position (GRCh38, 1-based): chr20:58,909,350, G>A. VCF-style: chr20-58909350-G-A. GRCh37 (hg19) VCF-style: chr20-57484405-G-A.
Other names: c.589G>A, p.Asp197Asn (NM_001077488.5); c.541G>A, p.Asp181Asn (NM_001077489.4); c.*447G>A (NM_001077490.3); c.409G>A, p.Asp137Asn (NM_001309840.2, NM_001309861.2); c.490G>A, p.Asp164Asn (NM_001410912.1); c.2470G>A, p.Asp824Asn (NM_001410913.1); c.*492G>A (NM_016592.5); c.2515G>A, p.Asp839Asn (NM_080425.4); and 1 more; short protein forms D137N, D164N, D181N, D182N, D196N, D197N, D824N, D839N.
Identifiers: ClinVar variation 2582102 (VCV002582102.4), dbSNP rs2146269895, ClinGen allele CA409452080.